The following is an entry in ClinVar:

ClinVar aggregate classification (germline): Uncertain significance (1 of 4 stars; one submission).

Allele frequency attached by ClinVar (database versions not stated): ExAC 0.00001; gnomAD 0.00001; gnomAD exomes 0.00001; TOPMed 0.00001.
gnomAD v4.1: 5 of 1,613,646 alleles (0.00031%); highest among the groups gnomAD compares: Non-Finnish European, 0.00042%; no homozygotes.

Submission:

Athena Diagnostics
Classification: Uncertain significance. Last evaluated: 2025-06-12. Review status: criteria provided, single submitter. Criteria: Athena Diagnostics Criteria. Collection method: clinical testing. Allele origin: unknown.
Comment: Available data are insufficient to determine the clinical significance of the variant at this time. The frequency of this variant in the general population is uninformative in assessment of its pathogenicity. Polyphen and MutationTaster yielded discordant predictions regarding whether this amino acid change is damaging to the protein.

NM_015046.7(SETX):c.6179G>C (p.Ser2060Thr)

Gene: SETX (senataxin; minus strand). Cytogenetic location: 9q34.13.
Variant type: single nucleotide variant.
Coding change: c.6179G>C on transcript NM_015046.7 (MANE Select); coding-DNA position 6179, G replaced by C.
Protein change: p.Ser2060Thr; replaces serine 2060 with threonine.
Molecular consequence: missense variant.
Genome position (GRCh38, 1-based): chr9:132,288,579, C>G on the plus strand (G>C on the coding strand, the complement: SETX is on the minus strand). VCF-style: chr9-132288579-C-G. GRCh37 (hg19) VCF-style: chr9-135163966-C-G.
Other names: c.6179G>C, p.Ser2060Thr (NM_001351527.2, NM_001351528.2); short protein forms S2060T.
Identifiers: ClinVar variation 2684372 (VCV002684372.2), dbSNP rs752731567, ClinGen allele CA5296814.